The following is an entry in ClinVar:

NM_021076.4(NEFH):c.762G>C (p.Gln254His)

Gene: NEFH (neurofilament heavy chain; plus strand). Cytogenetic location: 22q12.2.
Variant type: single nucleotide variant.
Coding change: c.762G>C on transcript NM_021076.4 (MANE Select); coding-DNA position 762, G replaced by C.
Protein change: p.Gln254His; replaces glutamine 254 with histidine.
Molecular consequence: missense variant.
Genome position (GRCh38, 1-based): chr22:29,481,024, G>C. VCF-style: chr22-29481024-G-C. GRCh37 (hg19) VCF-style: chr22-29877013-G-C.
Other names: p.Gln254His; c.762G>C (NM_021076.3); short protein forms Q254H.
Identifiers: ClinVar variation 1467295 (VCV001467295.9), dbSNP rs780230539, ClinGen allele CA10174034.

ClinVar aggregate classification (germline): Conflicting classifications of pathogenicity. Review status: criteria provided, conflicting classifications (1 of 4 stars). 4 submissions from 4 submitters: Uncertain significance (3); Likely benign (1). Last evaluated 2025-08-24.

Conditions:
NEFH-related disorder. Also called: NEFH-related condition.
Inborn genetic diseases. Identifiers: MedGen C0950123, MeSH D030342.

Allele frequency attached by ClinVar (database versions not stated): gnomAD 0.00003; gnomAD exomes 0.00004; ExAC 0.00010.
gnomAD v4.1: 56 of 1,531,506 alleles (0.0037%); highest among the groups gnomAD compares: Non-Finnish European, 0.0048%; no homozygotes.

Submissions (4):

Labcorp Genetics (formerly Invitae), Labcorp
Classification: Uncertain significance. Last evaluated: 2025-08-24. Review status: criteria provided, single submitter. Criteria: Invitae Variant Classification Sherloc (09022015). Collection method: clinical testing. Allele origin: germline.
Comment: This sequence change replaces glutamine, which is neutral and polar, with histidine, which is basic and polar, at codon 254 of the NEFH protein (p.Gln254His). This variant is present in population databases (rs780230539, gnomAD 0.01%). This variant has not been reported in the literature in individuals affected with NEFH-related conditions. ClinVar contains an entry for this variant (Variation ID: 1467295). Invitae Evidence Modeling of protein sequence and biophysical properties (such as structural, functional, and spatial information, amino acid conservation, physicochemical variation, residue mobility, and thermodynamic stability) indicates that this missense variant is not expected to disrupt NEFH protein function with a negative predictive value of 95%. In summary, the available evidence is currently insufficient to determine the role of this variant in disease. Therefore, it has been classified as a Variant of Uncertain Significance.

PreventionGenetics, part of Exact Sciences
Classification: Uncertain significance for NEFH-related condition. Last evaluated: 2025-06-12. Review status: criteria provided, single submitter. Criteria: ACMG Guidelines, 2015. Collection method: clinical testing. Allele origin: germline.
Comment: The NEFH c.762G>C variant is predicted to result in the amino acid substitution p.Gln254His. To our knowledge, this variant has not been reported in the literature. This variant is reported in 0.011% of alleles in individuals of European (Non-Finnish) descent in gnomAD. At this time, the clinical significance of this variant is uncertain due to the absence of conclusive functional and genetic evidence.

Mayo Clinic Laboratories, Mayo Clinic
Classification: Uncertain significance. Last evaluated: 2023-05-31. Review status: criteria provided, single submitter. Criteria: ACMG Guidelines, 2015. Collection method: clinical testing. Allele origin: germline. Observed: 1 variant allele.

Ambry Genetics
Classification: Likely benign for Inborn genetic diseases. Last evaluated: 2022-11-09. Review status: criteria provided, single submitter. Criteria: Ambry Variant Classification Scheme 2023. Collection method: clinical testing. Allele origin: germline.